The following is an entry in ClinVar:

ClinVar aggregate classification (germline): Uncertain significance (1 of 4 stars; one submission).

Conditions:
Myopathy, proximal, and ophthalmoplegia (CMYO6). Also called: INCLUSION BODY MYOPATHY 3, AUTOSOMAL DOMINANT; CONGENITAL MYOPATHY 6 WITH OPHTHALMOPLEGIA; MYOPATHY WITH CONGENITAL JOINT CONTRACTURES, OPHTHALMOPLEGIA, AND RIMMED VACUOLES. Identifiers: Orphanet 363677, Orphanet 79091, MedGen C1854106, MONDO:0011577, OMIM 605637.

Submission:

Labcorp Genetics (formerly Invitae), Labcorp
Classification: Uncertain significance for Myopathy, proximal, and ophthalmoplegia. Last evaluated: 2021-09-15. Review status: criteria provided, single submitter. Criteria: Invitae Variant Classification Sherloc (09022015). Collection method: clinical testing. Allele origin: germline.
Comment: This sequence change replaces glycine with glutamic acid at codon 319 of the MYH2 protein (p.Gly319Glu). The glycine residue is highly conserved and there is a moderate physicochemical difference between glycine and glutamic acid. This variant is not present in population databases (ExAC no frequency). This variant has not been reported in the literature in individuals affected with MYH2-related conditions. Algorithms developed to predict the effect of missense changes on protein structure and function (SIFT, PolyPhen-2, Align-GVGD) all suggest that this variant is likely to be disruptive. In summary, the available evidence is currently insufficient to determine the role of this variant in disease. Therefore, it has been classified as a Variant of Uncertain Significance.

NM_017534.6(MYH2):c.956G>A (p.Gly319Glu)

Genes: MYH2 (myosin heavy chain 2; minus strand), MYHAS (myosin heavy chain gene cluster antisense RNA; plus strand). Cytogenetic location: 17p13.1.
Variant type: single nucleotide variant.
Coding change: c.956G>A on transcript NM_017534.6 (MANE Select); coding-DNA position 956, G replaced by A.
Protein change: p.Gly319Glu; replaces glycine 319 with glutamic acid.
Molecular consequence: missense variant.
Genome position (GRCh38, 1-based): chr17:10,540,646, C>T on the plus strand (G>A on the coding strand, the complement: MYH2 is on the minus strand). VCF-style: chr17-10540646-C-T. GRCh37 (hg19) VCF-style: chr17-10443963-C-T.
Other names: c.956G>A, p.Gly319Glu (NM_001100112.2); short protein forms G319E.
Identifiers: ClinVar variation 1480295 (VCV001480295.6), dbSNP rs2142314883, ClinGen allele CA398164320.